The following is an entry in ClinVar:

NM_000535.7(PMS2):c.970A>T (p.Asn324Tyr)

Gene: PMS2 (PMS1 homolog 2, mismatch repair system component; minus strand). Cytogenetic location: 7p22.1.
Variant type: single nucleotide variant.
Coding change: c.970A>T on transcript NM_000535.7 (MANE Select); coding-DNA position 970, A replaced by T.
Protein change: p.Asn324Tyr; replaces asparagine 324 with tyrosine.
Molecular consequence: missense variant. On other transcripts: non-coding transcript variant (1).
Genome position (GRCh38, 1-based): chr7:5,991,991, T>A on the plus strand (A>T on the coding strand, the complement: PMS2 is on the minus strand). VCF-style: chr7-5991991-T-A. GRCh37 (hg19) VCF-style: chr7-6031622-T-A.
Other names: c.565A>T, p.Asn189Tyr (NM_001322003.2, NM_001322004.2, NM_001322005.2 and 2 more transcripts); c.970A>T, p.Asn324Tyr (NM_001322006.2, NM_001322014.2); c.652A>T, p.Asn218Tyr (NM_001322007.2, NM_001322008.2); c.37A>T, p.Asn13Tyr (NM_001322011.2, NM_001322012.2); c.397A>T, p.Asn133Tyr (NM_001322013.2); c.661A>T, p.Asn221Tyr (NM_001322015.2); short protein forms N324Y, N133Y, N189Y, N221Y, N13Y, N218Y.
Identifiers: ClinVar variation 631072 (VCV000631072.15), dbSNP rs1562651233, ClinGen allele CA366743093.

ClinVar aggregate classification (germline): Uncertain significance. Review status: criteria provided, multiple submitters, no conflicts (2 of 4 stars). 4 submissions from 4 submitters: Uncertain significance (4). Last evaluated 2025-05-09.

Conditions:
Hereditary nonpolyposis colorectal neoplasms. Identifiers: MedGen C0009405, MeSH D003123.
Hereditary cancer-predisposing syndrome. Also called: Tumor predisposition; Neoplastic Syndromes, Hereditary; Hereditary neoplastic syndrome; Hereditary Cancer Syndrome. Identifiers: Orphanet 140162, MedGen C0027672, MeSH D009386, MONDO:0015356.
Lynch syndrome. Identifiers: Orphanet 144, MedGen C4552100, MONDO:0005835. Disease mechanism: loss of function.

Submissions (4):

Labcorp Genetics (formerly Invitae), Labcorp
Classification: Uncertain significance for Hereditary nonpolyposis colorectal neoplasms. Last evaluated: 2025-05-09. Review status: criteria provided, single submitter. Criteria: Invitae Variant Classification Sherloc (09022015). Collection method: clinical testing. Allele origin: germline.
Comment: This sequence change replaces asparagine, which is neutral and polar, with tyrosine, which is neutral and polar, at codon 324 of the PMS2 protein (p.Asn324Tyr). This variant is not present in population databases (gnomAD no frequency). This variant has not been reported in the literature in individuals affected with PMS2-related conditions. ClinVar contains an entry for this variant (Variation ID: 631072). Invitae Evidence Modeling incorporating data from in vitro experimental studies (internal data) indicates that this missense variant is not expected to disrupt PMS2 function with a negative predictive value of 95%. In summary, the available evidence is currently insufficient to determine the role of this variant in disease. Therefore, it has been classified as a Variant of Uncertain Significance.

All of Us Research Program, National Institutes of Health
Classification: Uncertain significance for Lynch syndrome. Last evaluated: 2024-05-09. Review status: criteria provided, single submitter. Criteria: ACMG Guidelines, 2015. Collection method: clinical testing. Allele origin: germline. Inheritance: Autosomal dominant inheritance. Observed: 2 variant alleles, 2 heterozygotes.
Comment: This study involves interpretation of variants in research participants for the purpose of population health screening. Participant phenotype was not available at the time of variant classification. Additional details can be found in publication PMID: 35346344, PMCID: PMC8962531

Ambry Genetics
Classification: Uncertain significance for Hereditary cancer-predisposing syndrome. Last evaluated: 2023-12-16. Review status: criteria provided, single submitter. Criteria: Ambry Variant Classification Scheme 2023. Collection method: clinical testing. Allele origin: germline.
Comment: The p.N324Y variant (also known as c.970A>T), located in coding exon 9 of the PMS2 gene, results from an A to T substitution at nucleotide position 970. The asparagine at codon 324 is replaced by tyrosine, an amino acid with dissimilar properties. This amino acid position is conserved. In addition, this alteration is predicted to be deleterious by in silico analysis. Since supporting evidence is limited at this time, the clinical significance of this alteration remains unclear.

Color Diagnostics, LLC DBA Color Health
Classification: Uncertain significance for Hereditary cancer-predisposing syndrome. Last evaluated: 2018-12-26. Review status: criteria provided, single submitter. Criteria: ACMG Guidelines, 2015. Collection method: clinical testing. Allele origin: germline.